The following is an entry in ClinVar:

NM_000088.4(COL1A1):c.925G>T (p.Glu309Ter)

Genes: COL1A1 (collagen type I alpha 1 chain; minus strand), LOC126862586 (CDK7 strongly-dependent group 2 enhancer GRCh37_chr17:48273702-48274901; plus strand). Cytogenetic location: 17q21.33.
Variant type: single nucleotide variant.
Coding change: c.925G>T on transcript NM_000088.4 (MANE Select); coding-DNA position 925, G replaced by T.
Protein change: p.Glu309Ter; replaces glutamic acid 309 with a stop codon.
Molecular consequence: nonsense.
Genome position (GRCh38, 1-based): chr17:50,196,346, C>A on the plus strand (G>T on the coding strand, the complement: COL1A1 is on the minus strand). VCF-style: chr17-50196346-C-A. GRCh37 (hg19) VCF-style: chr17-48273707-C-A.
Other names: short protein forms E309*.
Identifiers: ClinVar variation 2839195 (VCV002839195.3), dbSNP rs2509235451, ClinGen allele CA400221763.
Genomic context (GRCh38, chr17:50,196,346, plus strand): 5'-GATCCCCCAAGGGGCCAGGAGTACTTACAGCAGGGCCAGGGGCTCCAGGGCGACCTCTCT[C>A]ACCAGGCAGGCCACGGGGGCCCTGACAACCAAACCAAGAGAAGTCAGATGAGATGGGAGA-3'

ClinVar aggregate classification (germline): Pathogenic (1 of 4 stars; one submission).

Conditions:
Osteogenesis imperfecta type I (OI1). Also called: Lobstein's Disease; Lobstein disease; Classic Non-deforming Osteogenesis Imperfecta with Blue Sclerae; OI, TYPE I; OSTEOGENESIS IMPERFECTA TARDA; OSTEOGENESIS IMPERFECTA WITH BLUE SCLERAE. Identifiers: Orphanet 216796, Orphanet 666, MedGen C0023931, MONDO:0008146, OMIM 166200. Disease mechanism: loss of function.

Submission:

Labcorp Genetics (formerly Invitae), Labcorp
Classification: Pathogenic for Osteogenesis imperfecta type I. Last evaluated: 2023-02-20. Review status: criteria provided, single submitter. Criteria: Invitae Variant Classification Sherloc (09022015). Collection method: clinical testing. Allele origin: germline.
Comment: This sequence change creates a premature translational stop signal (p.Glu309*) in the COL1A1 gene. It is expected to result in an absent or disrupted protein product. Loss-of-function variants in COL1A1 are known to be pathogenic (PMID: 7942841, 9295084, 9443882). This variant is not present in population databases (gnomAD no frequency). This variant has not been reported in the literature in individuals affected with COL1A1-related conditions. For these reasons, this variant has been classified as Pathogenic.

Literature cited by the submitters: PubMed 7942841; PubMed 9295084; PubMed 9443882.